The following is an entry in ClinVar:

ClinVar aggregate classification (germline): Conflicting classifications of pathogenicity. Review status: criteria provided, conflicting classifications (1 of 4 stars). 8 submissions from 7 submitters: Uncertain significance (2); Benign (1); Likely benign (5). Last evaluated 2026-01-12.

Conditions:
Autosomal recessive ataxia, Beauce type. Also called: ATAXIA, RECESSIVE, OF BEAUCE; Spinocerebellar ataxia, autosomal recessive 8; SYNE1-Related Autosomal Recessive Cerebellar Ataxia; SYNE1 Deficiency. Identifiers: Orphanet 88644, MedGen C1853116, MONDO:0012549, OMIM 610743.
Emery-Dreifuss muscular dystrophy 4, autosomal dominant (EDMD4). Also called: EMERY-DREIFUSS MUSCULAR DYSTROPHY 4 WITH VARIABLE FEATURES. Identifiers: Orphanet 261, MedGen C2751807, MONDO:0013071, OMIM 612998.

Allele frequency attached by ClinVar (database versions not stated): ESP Exome Variant Server 0.00046; TOPMed 0.00053; 1000 Genomes Project 0.00060; 1000 Genomes Project 30x 0.00062; gnomAD 0.00066.
gnomAD v4.1: 276 of 1,614,078 alleles (0.017%); highest among the groups gnomAD compares: African/African-American, 0.14%; no homozygotes.

Submissions (8):

Labcorp Genetics (formerly Invitae), Labcorp
Classification: Likely benign for Emery-Dreifuss muscular dystrophy 4, autosomal dominant; Autosomal recessive ataxia, Beauce type. Last evaluated: 2026-01-12. Review status: criteria provided, single submitter. Criteria: Invitae Variant Classification Sherloc (09022015). Collection method: clinical testing. Allele origin: germline.

Women's Health and Genetics/Laboratory Corporation of America, LabCorp
Classification: Likely benign. Last evaluated: 2024-09-14. Review status: criteria provided, single submitter. Criteria: LabCorp Variant Classification Summary - May 2015. Collection method: clinical testing. Allele origin: germline.

CeGaT Center for Human Genetics Tuebingen
Classification: Likely benign. Last evaluated: 2024-01-01. Review status: criteria provided, single submitter. Criteria: CeGaT Center For Human Genetics Tuebingen Variant Classification Criteria Version 2. Collection method: clinical testing. Allele origin: germline. Affected: yes. Observed: 1 variant allele.
Comment: SYNE1: BP4, BP7

Athena Diagnostics
Classification: Likely benign. Last evaluated: 2019-07-23. Review status: criteria provided, single submitter. Criteria: Athena Diagnostics Criteria. Collection method: clinical testing. Allele origin: germline.

Eurofins Ntd Llc (ga)
Classification: Uncertain significance. Last evaluated: 2018-03-14. Review status: criteria provided, single submitter. Criteria: EGL ClinVar v180209 classification definitions. Collection method: clinical testing. Allele origin: germline. Observed: 7 variant alleles, 6 heterozygotes.

Illumina Laboratory Services, Illumina
Classification: Uncertain significance for Autosomal recessive ataxia, Beauce type. Last evaluated: 2018-01-13. Review status: criteria provided, single submitter. Criteria: ICSL Variant Classification Criteria 13 December 2019. Collection method: clinical testing. Allele origin: germline.

Illumina Laboratory Services, Illumina
Classification: Benign for Emery-Dreifuss muscular dystrophy 4, autosomal dominant. Last evaluated: 2018-01-13. Review status: criteria provided, single submitter. Criteria: ICSL Variant Classification Criteria 13 December 2019. Collection method: clinical testing. Allele origin: germline.
Comment: This variant was observed in the ICSL laboratory as part of a predisposition screen in an ostensibly healthy population. It had not been previously curated by ICSL or reported in the Human Gene Mutation Database (HGMD: prior to June 1st, 2018), and was therefore a candidate for classification through an automated scoring system. Utilizing variant allele frequency, disease prevalence and penetrance estimates, and inheritance mode, an automated score was calculated to assess if this variant is too frequent to cause the disease. Based on the score and internal cut-off values, a variant classified as benign is not then subjected to further curation. The score for this variant resulted in a classification of benign for this disease.

GeneDx
Classification: Likely benign. Last evaluated: 2017-04-17. Review status: criteria provided, single submitter. Criteria: GeneDx Variant Classification (06012015). Collection method: clinical testing. Allele origin: germline. Affected: yes.
Comment: This variant is considered likely benign or benign based on one or more of the following criteria: it is a conservative change, it occurs at a poorly conserved position in the protein, it is predicted to be benign by multiple in silico algorithms, and/or has population frequency not consistent with disease.

NM_182961.4(SYNE1):c.24555C>T (p.Ile8185=)

Gene: SYNE1 (spectrin repeat containing nuclear envelope protein 1; minus strand). Cytogenetic location: 6q25.2.
Variant type: single nucleotide variant.
Coding change: c.24555C>T on transcript NM_182961.4 (MANE Select); coding-DNA position 24555, C replaced by T.
Protein change: p.Ile8185=; no amino-acid change (isoleucine 8185 retained).
Molecular consequence: synonymous variant.
Genome position (GRCh38, 1-based): chr6:152,149,564, G>A on the plus strand (C>T on the coding strand, the complement: SYNE1 is on the minus strand). VCF-style: chr6-152149564-G-A. GRCh37 (hg19) VCF-style: chr6-152470699-G-A.
Other names: c.1161C>T, p.Ile387= (NM_001347701.2); c.1020C>T, p.Ile340= (NM_001347702.2); c.24342C>T, p.Ile8114= (NM_033071.5).
Identifiers: ClinVar variation 281297 (VCV000281297.44), dbSNP rs201799566, ClinGen allele CA4053150.